The following is an entry in ClinVar:

ClinVar aggregate classification (germline): Uncertain significance (1 of 4 stars; one submission).

Conditions:
GARS1-related disorder. Also called: GARS1-related condition.

Submission:

PreventionGenetics, part of Exact Sciences
Classification: Uncertain significance for GARS1-related condition. Last evaluated: 2023-06-09. Review status: criteria provided, single submitter. Criteria: ACMG Guidelines, 2015. Collection method: clinical testing. Allele origin: germline.
Comment: The GARS1 c.428-6_432del11 variant is predicted to result in a frameshift and premature protein termination (p.Gly143Valfs*597). Based on available splicing prediction programs (Alamut Visual Plus v1.6.1), this variant impacts a consensus splice acceptor site and creates a new splice site. To our knowledge, the functional impact of this variant on the protein structure is unknown. In addition, this variant has not been reported in the literature or in a large population database, indicating this variant is rare. Although we suspect that this variant may be pathogenic, at this time, the clinical significance of this variant is uncertain due to the absence of conclusive functional and genetic evidence.

NM_002047.4(GARS1):c.428-6_432del

Gene: GARS1 (glycyl-tRNA synthetase 1; plus strand). Cytogenetic location: 7p14.3.
Variant type: Deletion.
Coding change: c.428-6_432del on transcript NM_002047.4 (MANE Select); 6 bases into the intron before coding-DNA position 428 through coding-DNA position 432, 11 bases deleted (CTATAGGTGTT).
Molecular consequence: splice acceptor variant.
Genome position (GRCh38, 1-based): chr7:30,601,053-30,601,063, CTATAGGTGTT deleted; deleting any 11 consecutive bases within chr7:30,601,051-30,601,063 gives the same sequence; the c. name uses the placement nearest the transcript's 3' end. VCF-style (leftmost placement, unchanged base first): chr7-30601050-ATTCTATAGGTG-A. GRCh37 (hg19) VCF-style: chr7-30640666-ATTCTATAGGTG-A.
Other names: c.266-6_270del (NM_001316772.1).
Identifiers: ClinVar variation 2633341 (VCV002633341.1), dbSNP rs2534290407, ClinGen allele CA2695198464.